The following is an entry in ClinVar:

NM_172364.5(CACNA2D4):c.756A>C (p.Ala252=)

Gene: CACNA2D4 (calcium voltage-gated channel auxiliary subunit alpha2delta 4; minus strand). Cytogenetic location: 12p13.33.
Variant type: single nucleotide variant.
Coding change: c.756A>C on transcript NM_172364.5 (MANE Select); coding-DNA position 756, A replaced by C.
Protein change: p.Ala252=; no amino-acid change (alanine 252 retained).
Molecular consequence: synonymous variant.
Genome position (GRCh38, 1-based): chr12:1,907,465, T>G on the plus strand (A>C on the coding strand, the complement: CACNA2D4 is on the minus strand). VCF-style: chr12-1907465-T-G. GRCh37 (hg19) VCF-style: chr12-2016631-T-G.
Identifiers: ClinVar variation 3052641 (VCV003052641.2), dbSNP rs759653968, ClinGen allele CA6387426.

ClinVar aggregate classification (germline): Likely benign (0 of 4 stars; one submission).

Conditions:
CACNA2D4-related disorder. Also called: CACNA2D4-related condition.

Allele frequency attached by ClinVar (database versions not stated): gnomAD exomes 0.00001; ExAC 0.00002.
gnomAD v4.1: 11 of 1,613,876 alleles (0.00068%); highest among the groups gnomAD compares: Middle Eastern, 0.017%; no homozygotes.

Submission:

PreventionGenetics, part of Exact Sciences
Classification: Likely benign for CACNA2D4-related condition. Last evaluated: 2019-09-04. Review status: no assertion criteria provided. Collection method: clinical testing. Allele origin: germline.
Comment: This variant is classified as likely benign based on ACMG/AMP sequence variant interpretation guidelines (Richards et al. 2015 PMID: 25741868, with internal and published modifications).